The following is an entry in ClinVar:

ClinVar aggregate classification (germline): Uncertain significance (1 of 4 stars; one submission).

Submission:

Labcorp Genetics (formerly Invitae), Labcorp
Classification: Uncertain significance. Last evaluated: 2025-02-26. Review status: criteria provided, single submitter. Criteria: Invitae Variant Classification Sherloc (09022015). Collection method: clinical testing. Allele origin: germline.
Comment: This sequence change affects codon 205 of the LRRC10 mRNA. It is a 'silent' change, meaning that it does not change the encoded amino acid sequence of the LRRC10 protein. This variant is not present in population databases (gnomAD no frequency). This variant has not been reported in the literature in individuals affected with LRRC10-related conditions. In summary, the available evidence is currently insufficient to determine the role of this variant in disease. Therefore, it has been classified as a Variant of Uncertain Significance.

NM_201550.4(LRRC10):c.615C>T (p.Phe205=)

Gene: LRRC10 (leucine rich repeat containing 10; minus strand). Cytogenetic location: 12q15.
Variant type: single nucleotide variant.
Coding change: c.615C>T on transcript NM_201550.4 (MANE Select); coding-DNA position 615, C replaced by T.
Protein change: p.Phe205=; no amino-acid change (phenylalanine 205 retained).
Molecular consequence: synonymous variant.
Genome position (GRCh38, 1-based): chr12:69,610,224, G>A on the plus strand (C>T on the coding strand, the complement: LRRC10 is on the minus strand). VCF-style: chr12-69610224-G-A. GRCh37 (hg19) VCF-style: chr12-70004004-G-A.
Identifiers: ClinVar variation 4790639 (VCV004790639.1).
Genomic context (GRCh38, chr12:69,610,224, plus strand): 5'-CCTGCAAGGATTGTGGTCATAGATGACCAGCTTCAGACTTGACAGGTGCGCCAGGCTGGG[G>A]AAGTAACGGATGCTGTTCCAGTCCACATCAATCACCTCCAGGAAGGGCATGTGAAGCAGC-3'
Protein context (NP_963844.2, residues 195-215): IDVDWNSIRY[Phe205=]PSLAHLSSLK